The following is an entry in ClinVar:

NM_000065.5(C6):c.386C>A (p.Pro129Gln)

Gene: C6 (complement C6; minus strand). Cytogenetic location: 5p13.1.
Variant type: single nucleotide variant.
Coding change: c.386C>A on transcript NM_000065.5 (MANE Select); coding-DNA position 386, C replaced by A.
Protein change: p.Pro129Gln; replaces proline 129 with glutamine.
Molecular consequence: missense variant.
Genome position (GRCh38, 1-based): chr5:41,199,827, G>T on the plus strand (C>A on the coding strand, the complement: C6 is on the minus strand). VCF-style: chr5-41199827-G-T. GRCh37 (hg19) VCF-style: chr5-41199929-G-T.
Other names: c.386C>A, p.Pro129Gln (NM_001115131.4); short protein forms P129Q.
Identifiers: ClinVar variation 2821598 (VCV002821598.3), dbSNP rs761682525, ClinGen allele CA359604642.

ClinVar aggregate classification (germline): Uncertain significance (1 of 4 stars; one submission).

Submission:

Labcorp Genetics (formerly Invitae), Labcorp
Classification: Uncertain significance. Last evaluated: 2022-12-16. Review status: criteria provided, single submitter. Criteria: Invitae Variant Classification Sherloc (09022015). Collection method: clinical testing. Allele origin: germline.
Comment: This variant is not present in population databases (gnomAD no frequency). This sequence change replaces proline, which is neutral and non-polar, with glutamine, which is neutral and polar, at codon 129 of the C6 protein (p.Pro129Gln). This variant has not been reported in the literature in individuals affected with C6-related conditions. In summary, the available evidence is currently insufficient to determine the role of this variant in disease. Therefore, it has been classified as a Variant of Uncertain Significance. Algorithms developed to predict the effect of missense changes on protein structure and function are either unavailable or do not agree on the potential impact of this missense change (SIFT: "Deleterious"; PolyPhen-2: "Probably Damaging"; Align-GVGD: "Class C0").